The following is an entry in ClinVar:

ClinVar aggregate classification (germline): Uncertain significance (1 of 4 stars; one submission).

Allele frequency attached by ClinVar (database versions not stated): gnomAD exomes below 0.00001; gnomAD 0.00002; TOPMed 0.00003.
gnomAD v4.1: 5 of 1,613,434 alleles (0.00031%); highest among the groups gnomAD compares: African/African-American, 0.0067%; no homozygotes.

Submission:

Labcorp Genetics (formerly Invitae), Labcorp
Classification: Uncertain significance. Last evaluated: 2019-07-22. Review status: criteria provided, single submitter. Criteria: Invitae Variant Classification Sherloc (09022015). Collection method: clinical testing. Allele origin: germline.
Comment: This sequence change replaces glutamic acid with glycine at codon 794 of the RP1 protein (p.Glu794Gly). The glutamic acid residue is highly conserved and there is a moderate physicochemical difference between glutamic acid and glycine. This variant is not present in population databases (ExAC no frequency). This variant has not been reported in the literature in individuals with RP1-related conditions. Algorithms developed to predict the effect of missense changes on protein structure and function (SIFT, PolyPhen-2, Align-GVGD) all suggest that this variant is likely to be disruptive, but these predictions have not been confirmed by published functional studies and their clinical significance is uncertain. In summary, the available evidence is currently insufficient to determine the role of this variant in disease. Therefore, it has been classified as a Variant of Uncertain Significance.

NM_006269.2(RP1):c.2381A>G (p.Glu794Gly)

Gene: RP1 (RP1 axonemal microtubule associated; plus strand). Cytogenetic location: 8q12.1.
Variant type: single nucleotide variant.
Coding change: c.2381A>G on transcript NM_006269.2 (MANE Select); coding-DNA position 2381, A replaced by G.
Protein change: p.Glu794Gly; replaces glutamic acid 794 with glycine.
Molecular consequence: missense variant. On other transcripts: intron variant (1).
Genome position (GRCh38, 1-based): chr8:54,626,263, A>G. VCF-style: chr8-54626263-A-G. GRCh37 (hg19) VCF-style: chr8-55538823-A-G.
Other names: c.787+3975A>G (NM_001375654.1); short protein forms E794G.
Identifiers: ClinVar variation 957143 (VCV000957143.9), dbSNP rs905082467, ClinGen allele CA177237140.
Genomic context (GRCh38, chr8:54,626,263, plus strand): 5'-TAACCAAAAGAAAATCTAGATCACTAAATAAAATAAGCTTAGGAGCACCTAAAAAAAGAG[A>G]AATCGGTCAAAGAGATAAAGTGTTTCCTCACAATGAATCTAAATATTGCAAAAGTACTTT-3'
Protein context (NP_006260.1, residues 784-804): KISLGAPKKR[Glu794Gly]IGQRDKVFPH